The following is an entry in ClinVar:

NM_001376013.1(EPB41):c.820C>T (p.Gln274Ter)

Gene: EPB41 (erythrocyte membrane protein band 4.1; plus strand). Cytogenetic location: 1p35.3.
Variant type: single nucleotide variant.
Coding change: c.820C>T on transcript NM_001376013.1 (MANE Select); coding-DNA position 820, C replaced by T.
Protein change: p.Gln274Ter; replaces glutamine 274 with a stop codon.
Molecular consequence: nonsense.
Genome position (GRCh38, 1-based): chr1:29,011,898, C>T. VCF-style: chr1-29011898-C-T. GRCh37 (hg19) VCF-style: chr1-29338410-C-T.
Other names: c.820C>T, p.Gln274Ter (NM_001166005.2, NM_001166006.2, NM_001376014.1 and 7 more transcripts); c.193C>T, p.Gln65Ter (NM_001166007.2, NM_001376022.1, NM_001376023.1 and 7 more transcripts); c.715C>T, p.Gln239Ter (NM_203343.3); short protein forms Q65*, Q239*, Q274*.
Identifiers: ClinVar variation 3667832 (VCV003667832.3).

ClinVar aggregate classification (germline): Pathogenic. Review status: criteria provided, multiple submitters, no conflicts (2 of 4 stars). 2 submissions from 2 submitters: Pathogenic (2). Last evaluated 2026-07-23.

Conditions:
Elliptocytosis 1 (EL1). Also called: 4.1- TRAIT; 4.1-MINUS TRAIT; ELLIPTOCYTOSIS, RHESUS-LINKED TYPE; PROTEIN 4.1 OF ERYTHROCYTE MEMBRANE, DEFECT OF. Identifiers: Orphanet 288, MedGen C2678497, MONDO:0012731, OMIM 611804.

Submissions (2):

Institute of Human Genetics, University of Leipzig Medical Center
Classification: Pathogenic for Elliptocytosis 1. Last evaluated: 2026-07-23. Review status: criteria provided, single submitter. Criteria: ACMG Guidelines, 2015. Collection method: clinical testing. Allele origin: unknown. Inheritance: Autosomal dominant inheritance. Affected: yes.
Comment: Criteria applied: PVS1,PS4_SUP,PM2

Labcorp Genetics (formerly Invitae), Labcorp
Classification: Pathogenic. Last evaluated: 2024-04-29. Review status: criteria provided, single submitter. Criteria: Invitae Variant Classification Sherloc (09022015). Collection method: clinical testing. Allele origin: germline.
Comment: This sequence change creates a premature translational stop signal (p.Gln65*) in the EPB41 gene. It is expected to result in an absent or disrupted protein product. Loss-of-function variants in EPB41 are known to be pathogenic (PMID: 21839655, 27551681, 27667160, 33942936). This variant is not present in population databases (gnomAD no frequency). This variant has not been reported in the literature in individuals affected with EPB41-related conditions. For these reasons, this variant has been classified as Pathogenic.

Literature cited by the submitters: PubMed 21839655 (cited by Labcorp Genetics (formerly Invitae), Labcorp); PubMed 27551681 (cited by Labcorp Genetics (formerly Invitae), Labcorp); PubMed 27667160 (cited by Labcorp Genetics (formerly Invitae), Labcorp); PubMed 33942936 (cited by Labcorp Genetics (formerly Invitae), Labcorp).